The following is an entry in ClinVar:

NM_001182.5(ALDH7A1):c.141_142insA (p.Arg48fs)

Gene: ALDH7A1 (aldehyde dehydrogenase 7 family member A1; minus strand). Cytogenetic location: 5q23.2.
Variant type: Insertion.
Coding change: c.141_142insA on transcript NM_001182.5 (MANE Select); coding-DNA positions 141 to 142, A inserted.
Protein change: p.Arg48fs; shifts the reading frame from arginine 48.
Molecular consequence: frameshift variant.
Genome position: GRCh38 VCF-style: chr5-126595057-G-GT. GRCh37 (hg19) VCF-style: chr5-125930749-G-GT.
Other names: c.57_58insA, p.Arg20fs (NM_001201377.2); c.141_142insA, p.Arg48fs (NM_001202404.2); short protein forms R20fs, R48fs.
Identifiers: ClinVar variation 631954 (VCV000631954.52), dbSNP rs1296037862, ClinGen allele CA562281674.
Genomic context (GRCh38, chr5:126,595,057, plus strand): 5'-GCCCGCGTACCTCTCCCCGGCCTCCCCAGCTTCCATTATACACGCCCTCGTTTTCCTCGC[G>GT]GAGCCCCAGCTCTTTCAGCCACGCATACTGGGGCTGATTGATGAGGAGAGTGGACATGAA-3'

ClinVar aggregate classification (germline): Pathogenic/Likely pathogenic. Review status: criteria provided, multiple submitters, no conflicts (2 of 4 stars). 3 submissions from 3 submitters: Pathogenic (2); Likely pathogenic (1). Last evaluated 2024-08-28.

Conditions:
Pyridoxine-dependent epilepsy (EPEO4). Also called: PYRIDOXINE DEPENDENCY WITH SEIZURES; Pyridoxine-Dependent Seizures; Pyridoxine-Dependent Epilepsy - ALDH7A1; EPILEPSY, EARLY-ONSET, 4, VITAMIN B6-DEPENDENT. Identifiers: Orphanet 3006, MedGen C1849508, MONDO:0009945, OMIM 266100. Disease mechanism: loss of function.

Allele frequency attached by ClinVar (database versions not stated): gnomAD exomes below 0.00001.

Submissions (3):

Labcorp Genetics (formerly Invitae), Labcorp
Classification: Pathogenic for Pyridoxine-dependent epilepsy. Last evaluated: 2024-08-28. Review status: criteria provided, single submitter. Criteria: Invitae Variant Classification Sherloc (09022015). Collection method: clinical testing. Allele origin: germline.
Comment: This sequence change creates a premature translational stop signal (p.Arg48Thrfs*9) in the ALDH7A1 gene. It is expected to result in an absent or disrupted protein product. Loss-of-function variants in ALDH7A1 are known to be pathogenic (PMID: 16491085, 20554659). This variant is present in population databases (no rsID available, gnomAD 0.0009%). This premature translational stop signal has been observed in individual(s) with pyridoxine-dependent epilepsy (PMID: 19294602). ClinVar contains an entry for this variant (Variation ID: 631954). For these reasons, this variant has been classified as Pathogenic.

Fulgent Genetics
Classification: Likely pathogenic for Pyridoxine-dependent epilepsy. Last evaluated: 2024-05-18. Review status: criteria provided, single submitter. Criteria: ACMG Guidelines, 2015. Collection method: clinical testing. Allele origin: germline.

CeGaT Center for Human Genetics Tuebingen
Classification: Pathogenic. Last evaluated: 2017-04-01. Review status: criteria provided, single submitter. Criteria: CeGaT Center For Human Genetics Tuebingen Variant Classification Criteria Version 2. Collection method: clinical testing. Allele origin: germline. Affected: yes. Observed: 1 variant allele.

Literature cited by the submitters: PubMed 16491085 (cited by Labcorp Genetics (formerly Invitae), Labcorp); PubMed 20554659 (cited by Labcorp Genetics (formerly Invitae), Labcorp); PubMed 19294602 (cited by Labcorp Genetics (formerly Invitae), Labcorp).